The following is an entry in ClinVar:

NM_014915.3(ANKRD26):c.2186A>G (p.Gln729Arg)

Gene: ANKRD26 (ankyrin repeat domain 26; minus strand). Cytogenetic location: 10p12.1.
Variant type: single nucleotide variant.
Coding change: c.2186A>G on transcript NM_014915.3 (MANE Select); coding-DNA position 2186, A replaced by G.
Protein change: p.Gln729Arg; replaces glutamine 729 with arginine.
Molecular consequence: missense variant.
Genome position (GRCh38, 1-based): chr10:27,040,154, T>C on the plus strand (A>G on the coding strand, the complement: ANKRD26 is on the minus strand). VCF-style: chr10-27040154-T-C. GRCh37 (hg19) VCF-style: chr10-27329083-T-C.
Other names: c.2183A>G, p.Gln728Arg (NM_001256053.2); short protein forms Q728R, Q729R.
Identifiers: ClinVar variation 3605406 (VCV003605406.2).
Genomic context (GRCh38, chr10:27,040,154, plus strand): 5'-AGTAGTTCACAGTGATTTTTTTTAAGTTCTAATAATCTTTCACATGAAAGAGCTGCATCC[T>C]GGATTTTCAATAGGCTAACAGAATCTGTATCAGGAAGAAAACAAGATAGAAATATATGAG-3'
Protein context (NP_055730.2, residues 719-739): CKDSVSLLKI[Gln729Arg]DAALSCERLL

ClinVar aggregate classification (germline): Uncertain significance (1 of 4 stars; one submission).

Submission:

Labcorp Genetics (formerly Invitae), Labcorp
Classification: Uncertain significance. Last evaluated: 2024-02-22. Review status: criteria provided, single submitter. Criteria: Invitae Variant Classification Sherloc (09022015). Collection method: clinical testing. Allele origin: germline.
Comment: This sequence change replaces glutamine, which is neutral and polar, with arginine, which is basic and polar, at codon 729 of the ANKRD26 protein (p.Gln729Arg). This variant is not present in population databases (gnomAD no frequency). This variant has not been reported in the literature in individuals affected with ANKRD26-related conditions. Algorithms developed to predict the effect of missense changes on protein structure and function output the following: SIFT: "Not Available"; PolyPhen-2: "Benign"; Align-GVGD: "Not Available". The arginine amino acid residue is found in multiple mammalian species, which suggests that this missense change does not adversely affect protein function. In summary, the available evidence is currently insufficient to determine the role of this variant in disease. Therefore, it has been classified as a Variant of Uncertain Significance.